The following is an entry in ClinVar:

NM_020461.4(TUBGCP6):c.56C>T (p.Ala19Val)

Gene: TUBGCP6 (tubulin gamma complex component 6; minus strand). Cytogenetic location: 22q13.33.
Variant type: single nucleotide variant.
Coding change: c.56C>T on transcript NM_020461.4 (MANE Select); coding-DNA position 56, C replaced by T.
Protein change: p.Ala19Val; replaces alanine 19 with valine.
Molecular consequence: missense variant.
Genome position (GRCh38, 1-based): chr22:50,244,404, G>A on the plus strand (C>T on the coding strand, the complement: TUBGCP6 is on the minus strand). VCF-style: chr22-50244404-G-A. GRCh37 (hg19) VCF-style: chr22-50682833-G-A.
Other names: short protein forms A19V.
Identifiers: ClinVar variation 1475813 (VCV001475813.8), dbSNP rs765878192, ClinGen allele CA10309131.
Genomic context (GRCh38, chr22:50,244,404, plus strand): 5'-TTCTTGAGGCTCCGCTTTGCCCTCTTCCGGTTCACACTGCGCTGGCCCAGGTGAGTCTTG[G>A]CAGCCGGCAGGAGGGCCTCACACAGGTCGTCGAACAGCTGCGTGATGCTGGCCATGCCCC-3'
Protein context (NP_065194.3, residues 9-29): DDLCEALLPA[Ala19Val]KTHLGQRSVN

ClinVar aggregate classification (germline): Uncertain significance (1 of 4 stars; one submission).

Allele frequency attached by ClinVar (database versions not stated): TOPMed below 0.00001; gnomAD 0.00001; gnomAD exomes 0.00001 and 0.00002; ExAC 0.00003.

Submission:

Labcorp Genetics (formerly Invitae), Labcorp
Classification: Uncertain significance. Last evaluated: 2024-03-03. Review status: criteria provided, single submitter. Criteria: Invitae Variant Classification Sherloc (09022015). Collection method: clinical testing. Allele origin: germline.
Comment: This sequence change replaces alanine, which is neutral and non-polar, with valine, which is neutral and non-polar, at codon 19 of the TUBGCP6 protein (p.Ala19Val). This variant is present in population databases (rs765878192, gnomAD 0.02%). This variant has not been reported in the literature in individuals affected with TUBGCP6-related conditions. ClinVar contains an entry for this variant (Variation ID: 1475813). Algorithms developed to predict the effect of missense changes on protein structure and function output the following: SIFT: "Not Available"; PolyPhen-2: "Possibly Damaging"; Align-GVGD: "Not Available". The valine amino acid residue is found in multiple mammalian species, which suggests that this missense change does not adversely affect protein function. In summary, the available evidence is currently insufficient to determine the role of this variant in disease. Therefore, it has been classified as a Variant of Uncertain Significance.